The following is an entry in ClinVar:

ClinVar aggregate classification (germline): Uncertain significance (1 of 4 stars; one submission).

Submission:

Labcorp Genetics (formerly Invitae), Labcorp
Classification: Uncertain significance. Last evaluated: 2025-09-04. Review status: criteria provided, single submitter. Criteria: Invitae Variant Classification Sherloc (09022015). Collection method: clinical testing. Allele origin: germline.
Comment: This sequence change replaces lysine, which is basic and polar, with asparagine, which is neutral and polar, at codon 74 of the TNS2 protein (p.Lys74Asn). This variant is not present in population databases (gnomAD no frequency). This variant has not been reported in the literature in individuals affected with TNS2-related conditions. An algorithm developed to predict the effect of missense changes on protein structure and function (PolyPhen-2) suggests that this variant is likely to be disruptive. In summary, the available evidence is currently insufficient to determine the role of this variant in disease. Therefore, it has been classified as a Variant of Uncertain Significance.

NM_170754.4(TNS2):c.192G>C (p.Lys64Asn)

Genes: TNS2 (tensin 2; plus strand), TNS2-AS1 (TNS2 antisense RNA 1; minus strand). Cytogenetic location: 12q13.13.
Variant type: single nucleotide variant.
Coding change: c.192G>C on transcript NM_170754.4 (MANE Select); coding-DNA position 192, G replaced by C.
Protein change: p.Lys64Asn; replaces lysine 64 with asparagine.
Molecular consequence: missense variant. On other transcripts: 5 prime UTR variant (1).
Genome position (GRCh38, 1-based): chr12:53,052,462, G>C. VCF-style: chr12-53052462-G-C. GRCh37 (hg19) VCF-style: chr12-53446246-G-C.
Other names: c.192G>C, p.Lys64Asn (NM_001416202.1, NM_001416204.1); c.123G>C, p.Lys41Asn (NM_001416203.1, NM_015319.3); c.-181G>C (NM_198316.2); short protein forms K64N, K41N.
Identifiers: ClinVar variation 4770260 (VCV004770260.1).